The following is an entry in ClinVar:

ClinVar aggregate classification (germline): Pathogenic. Review status: criteria provided, single submitter (1 of 4 stars). 2 submissions from 2 submitters: Pathogenic (1). 1 of the submissions does not count toward it. Last evaluated 2017-08-04.

Conditions:
Hereditary cancer-predisposing syndrome. Also called: Tumor predisposition; Hereditary neoplastic syndrome; Neoplastic Syndromes, Hereditary; Hereditary Cancer Syndrome. Identifiers: Orphanet 140162, MedGen C0027672, MeSH D009386, MONDO:0015356.
Retinoblastoma (RB1). Also called: RETINOBLASTOMA, SOMATIC. Identifiers: Orphanet 790, MedGen C0035335, MeSH D012175, MONDO:0008380, OMIM 180200, HP:0009919. Disease mechanism: loss of function. Inheritance: Both sporadic and heritable forms are tested..

Submissions (2):

Ambry Genetics
Classification: Pathogenic for Hereditary cancer-predisposing syndrome. Last evaluated: 2017-08-04. Review status: criteria provided, single submitter. Criteria: Ambry Variant Classification Scheme 2023. Collection method: clinical testing. Allele origin: germline.
Comment: The p.Y606* pathogenic mutation (also known as c.1818T>A), located in coding exon 19 of the RB1 gene, results from a T to A substitution at nucleotide position 1818. This changes the amino acid from a tyrosine to a stop codon within coding exon 19. This alteration is expected to result in loss of function by premature protein truncation or nonsense-mediated mRNA decay. As such, this alteration is interpreted as a disease-causing mutation.

OMIM
Classification: Pathogenic for RETINOBLASTOMA. Last evaluated: 2007-04-01. Review status: no assertion criteria provided. Collection method: literature only. Allele origin: germline. Not counted in ClinVar's aggregate classification.

Literature cited by the submitters: PubMed 17299438 (cited by OMIM).

NM_000321.3(RB1):c.1818T>A (p.Tyr606Ter)

Gene: RB1 (RB transcriptional corepressor 1; plus strand). Cytogenetic location: 13q14.2.
Variant type: single nucleotide variant.
Coding change: c.1818T>A on transcript NM_000321.3 (MANE Select); coding-DNA position 1818, T replaced by A.
Protein change: p.Tyr606Ter; replaces tyrosine 606 with a stop codon.
Molecular consequence: nonsense.
Genome position (GRCh38, 1-based): chr13:48,456,207, T>A. VCF-style: chr13-48456207-T-A. GRCh37 (hg19) VCF-style: chr13-49030343-T-A.
Other names: short protein forms Y606*.
Identifiers: ClinVar variation 13094 (VCV000013094.3), dbSNP rs137853297, ClinGen allele CA026402.